The following is an entry in ClinVar:

ClinVar aggregate classification (germline): Likely pathogenic (1 of 4 stars; one submission).

Conditions:
CMIP-related disorder. Also called: CMIP-related condition.

Submission:

PreventionGenetics, part of Exact Sciences
Classification: Likely pathogenic for CMIP-related condition. Last evaluated: 2026-08-11. Review status: criteria provided, single submitter. Criteria: ACMG Guidelines, 2015. Collection method: clinical testing. Allele origin: germline.
Comment: The CMIP c.2010delC variant is predicted to result in a frameshift and premature protein termination (p.Phe671Serfs*4). To our knowledge, this variant has not been reported in the literature or in a large population database (gnomAD), indicating this variant is rare. Recent clinical and functional data support the role of loss-of-function variants in CMIP as a disease mechanism (Kooy et al. 2026. PubMed ID: 42386996). This variant is interpreted as likely pathogenic.

NM_198390.3(CMIP):c.2010del (p.Phe671fs)

Gene: CMIP (c-Maf inducing protein; plus strand). Cytogenetic location: 16q23.3.
Variant type: Deletion.
Coding change: c.2010del on transcript NM_198390.3 (MANE Select); coding-DNA position 2010, one base deleted (C; older notation c.2010delC).
Protein change: p.Phe671fs; shifts the reading frame from phenylalanine 671.
Molecular consequence: frameshift variant.
Genome position (GRCh38, 1-based): chr16:81,704,004, C deleted; the last of 2 consecutive C bases (chr16:81,704,003-81,704,004); deleting either gives the same sequence. VCF-style (leftmost placement, unchanged base first): chr16-81704002-GC-G. GRCh37 (hg19) VCF-style: chr16-81737607-GC-G.
Other names: c.1728del, p.Phe577fs (NM_030629.3); short protein forms F577fs, F671fs.
Identifiers: ClinVar variation 4998389 (VCV004998389.1).
Genomic context (GRCh38, chr16:81,704,002, plus strand): 5'-GCTGACTTGGCTCGTTTGCTGAGCTCCGGCTCCTTCGGAAACCTGGAGAACCTCAGTTTG[GC>G]CTTCACCAATGTAACCAGTGCCTGCGCCGAGCACCTCATCAAACTGCCTTCGCTCAAGCA-3'